The following is an entry in ClinVar:

ClinVar aggregate classification (germline): Conflicting classifications of pathogenicity. Review status: criteria provided, conflicting classifications (1 of 4 stars). 3 submissions from 3 submitters: Uncertain significance (2); Likely benign (1). Last evaluated 2026-01-01.

Conditions:
Pseudohypoaldosteronism type 2C (PHA2C). Also called: Pseudohypoaldosteronism Type IIC. Identifiers: Orphanet 757, Orphanet 88940, MedGen C1840391, MONDO:0013778, OMIM 614492.
Neuropathy, hereditary sensory and autonomic, type 2A (HSAN2A). Also called: ACROOSTEOLYSIS, GIACCAI TYPE; ACROOSTEOLYSIS, NEUROGENIC; HSAN IIA; WNK1-Related HSAN2 (HSAN2A); MORVAN DISEASE; NEUROPATHY, CONGENITAL SENSORY. Identifiers: Orphanet 970, MedGen C2752089, MONDO:0024309, OMIM 201300.
Inborn genetic diseases. Identifiers: MedGen C0950123, MeSH D030342.

Allele frequency attached by ClinVar (database versions not stated): gnomAD exomes 0.00003 and 0.00008; TOPMed 0.00003; ExAC 0.00004; gnomAD 0.00004.
gnomAD v4.1: 57 of 1,614,054 alleles (0.0035%); highest among the groups gnomAD compares: Middle Eastern, 0.16%; 1 homozygote.

Submissions (3):

Labcorp Genetics (formerly Invitae), Labcorp
Classification: Likely benign for Neuropathy, hereditary sensory and autonomic, type 2A; Pseudohypoaldosteronism type 2C. Last evaluated: 2026-01-01. Review status: criteria provided, single submitter. Criteria: Invitae Variant Classification Sherloc (09022015). Collection method: clinical testing. Allele origin: germline.

Fulgent Genetics
Classification: Uncertain significance for Neuropathy, hereditary sensory and autonomic, type 2A; Pseudohypoaldosteronism type 2C. Last evaluated: 2022-01-04. Review status: criteria provided, single submitter. Criteria: ACMG Guidelines, 2015. Collection method: clinical testing. Allele origin: unknown.

Ambry Genetics
Classification: Uncertain significance for Inborn genetic diseases. Last evaluated: 2020-08-04. Review status: criteria provided, single submitter. Criteria: Ambry Variant Classification Scheme 2023. Collection method: clinical testing. Allele origin: germline.
Comment: The p.T1631A variant (also known as c.4891A>G), located in coding exon 19 of the WNK1 gene, results from an A to G substitution at nucleotide position 4891. The threonine at codon 1631 is replaced by alanine, an amino acid with similar properties. This amino acid position is not well conserved in available vertebrate species. In addition, this alteration is predicted to be tolerated by in silico analysis. Since supporting evidence is limited at this time, the clinical significance of this alteration remains unclear.

NM_018979.4(WNK1):c.4135A>G (p.Thr1379Ala)

Gene: WNK1 (WNK lysine deficient protein kinase 1; plus strand). Cytogenetic location: 12p13.33.
Variant type: single nucleotide variant.
Coding change: c.4135A>G on transcript NM_018979.4 (MANE Select); coding-DNA position 4135, A replaced by G.
Protein change: p.Thr1379Ala; replaces threonine 1379 with alanine.
Molecular consequence: missense variant.
Genome position (GRCh38, 1-based): chr12:884,939, A>G. VCF-style: chr12-884939-A-G. GRCh37 (hg19) VCF-style: chr12-994105-A-G.
Other names: c.4915A>G, p.Thr1639Ala (NM_001184985.2); c.3394A>G, p.Thr1132Ala (NM_014823.3); c.4891A>G, p.Thr1631Ala (NM_213655.5); short protein forms T1132A, T1379A, T1631A, T1639A.
Identifiers: ClinVar variation 648413 (VCV000648413.14), dbSNP rs758763241, ClinGen allele CA6382924.